The following is an entry in ClinVar:

ClinVar aggregate classification (germline): Uncertain significance (1 of 4 stars; one submission).

gnomAD v4.1: 5 of 1,612,568 alleles (0.00031%); highest among the groups gnomAD compares: Non-Finnish European, 0.00042%; no homozygotes.

Submission:

Labcorp Genetics (formerly Invitae), Labcorp
Classification: Uncertain significance. Last evaluated: 2025-07-03. Review status: criteria provided, single submitter. Criteria: Invitae Variant Classification Sherloc (09022015). Collection method: clinical testing. Allele origin: germline.
Comment: This sequence change replaces isoleucine, which is neutral and non-polar, with valine, which is neutral and non-polar, at codon 82 of the IL6ST protein (p.Ile82Val). This variant is present in population databases (no rsID available, gnomAD 0.002%). This variant has not been reported in the literature in individuals affected with IL6ST-related conditions. An algorithm developed to predict the effect of missense changes on protein structure and function (PolyPhen-2) suggests that this variant is likely to be tolerated. In summary, the available evidence is currently insufficient to determine the role of this variant in disease. Therefore, it has been classified as a Variant of Uncertain Significance.

NM_002184.4(IL6ST):c.244A>G (p.Ile82Val)

Gene: IL6ST (interleukin 6 cytokine family signal transducer; minus strand). Cytogenetic location: 5q11.2.
Variant type: single nucleotide variant.
Coding change: c.244A>G on transcript NM_002184.4 (MANE Select); coding-DNA position 244, A replaced by G.
Protein change: p.Ile82Val; replaces isoleucine 82 with valine.
Molecular consequence: missense variant. On other transcripts: 5 prime UTR variant (3), non-coding transcript variant (2), intron variant (1).
Genome position (GRCh38, 1-based): chr5:55,969,676, T>C on the plus strand (A>G on the coding strand, the complement: IL6ST is on the minus strand). VCF-style: chr5-55969676-T-C. GRCh37 (hg19) VCF-style: chr5-55265504-T-C.
Other names: c.244A>G, p.Ile82Val (NM_001190981.2, NM_001364275.2, NM_175767.3); c.-549A>G (NM_001364277.2, NM_001364279.2); c.-539A>G (NM_001364278.2); c.160+84A>G (NM_001364276.2); short protein forms I82V.
Identifiers: ClinVar variation 4753530 (VCV004753530.1).
Genomic context (GRCh38, chr5:55,969,676, plus strand): 5'-TGAGCTGAATATTTAATGAAGCTATATCTGTAAAGGTGACACTGGATGCTGTTCTGTTTA[T>C]GATAGTATATTGCTCCTTAGGAATAGTAAAATGGTTTGTTTTCCAGACAATGTAATTAGC-3'
Protein context (NP_002175.2, residues 72-92): FTIPKEQYTI[Ile82Val]NRTASSVTFT